The following is an entry in ClinVar:

ClinVar aggregate classification (germline): Uncertain significance. Review status: criteria provided, multiple submitters, no conflicts (2 of 4 stars). 2 submissions from 2 submitters: Uncertain significance (2). Last evaluated 2022-02-11.

Conditions:
Inborn genetic diseases. Identifiers: MedGen C0950123, MeSH D030342.
Mucopolysaccharidosis type 7 (MPS7). Also called: SLY SYNDROME; MPS VII; BETA-GLUCURONIDASE DEFICIENCY; GUSB DEFICIENCY. Identifiers: Orphanet 584, MedGen C0085132, MONDO:0009662, OMIM 253220.

Allele frequency attached by ClinVar (database versions not stated): gnomAD exomes below 0.00001 and 0.00001.
gnomAD v4.1: 3 of 1,613,876 alleles (0.00019%); highest among the groups gnomAD compares: South Asian, 0.0022%; no homozygotes.

Submissions (2):

Ambry Genetics
Classification: Uncertain significance for Inborn genetic diseases. Last evaluated: 2022-02-11. Review status: criteria provided, single submitter. Criteria: Ambry Variant Classification Scheme 2023. Collection method: clinical testing. Allele origin: germline.

Labcorp Genetics (formerly Invitae), Labcorp
Classification: Uncertain significance for Mucopolysaccharidosis type 7. Last evaluated: 2020-04-22. Review status: criteria provided, single submitter. Criteria: Invitae Variant Classification Sherloc (09022015). Collection method: clinical testing. Allele origin: germline.
Comment: In summary, the available evidence is currently insufficient to determine the role of this variant in disease. Therefore, it has been classified as a Variant of Uncertain Significance. Algorithms developed to predict the effect of missense changes on protein structure and function are either unavailable or do not agree on the potential impact of this missense change (SIFT: "Deleterious"; PolyPhen-2: "Probably Damaging"; Align-GVGD: "Class C0"). This variant has not been reported in the literature in individuals with GUSB-related conditions. This variant is not present in population databases (ExAC no frequency). This sequence change replaces lysine with glutamic acid at codon 606 of the GUSB protein (p.Lys606Glu). The lysine residue is highly conserved and there is a small physicochemical difference between lysine and glutamic acid.

NM_000181.4(GUSB):c.1816A>G (p.Lys606Glu)

Gene: GUSB (glucuronidase beta; minus strand). Cytogenetic location: 7q11.21.
Variant type: single nucleotide variant.
Coding change: c.1816A>G on transcript NM_000181.4 (MANE Select); coding-DNA position 1816, A replaced by G.
Protein change: p.Lys606Glu; replaces lysine 606 with glutamic acid.
Molecular consequence: missense variant. On other transcripts: non-coding transcript variant (1).
Genome position (GRCh38, 1-based): chr7:65,961,037, T>C on the plus strand (A>G on the coding strand, the complement: GUSB is on the minus strand). VCF-style: chr7-65961037-T-C. GRCh37 (hg19) VCF-style: chr7-65426024-T-C.
Other names: c.1378A>G, p.Lys460Glu (NM_001284290.2); c.1246A>G, p.Lys416Glu (NM_001293104.2); c.1159A>G, p.Lys387Glu (NM_001293105.2); c.1816A>G (NM_000181.3); short protein forms K387E, K416E, K460E, K606E.
Identifiers: ClinVar variation 1013699 (VCV001013699.9), dbSNP rs1325465494, ClinGen allele CA367637587.
Genomic context (GRCh38, chr7:65,961,037, plus strand): 5'-ATCTCTCTCGCAAAAGGAACGCTGCACTTTTTGGTTGTCTCTGCCGAGTGAAGATCCCCT[T>C]TTTATTCCCCAGCACTCTCGTCGGTGCTACAAAAAAAAAAAAAAGACACAAAGCGATTCA-3'
Protein context (NP_000172.2, residues 596-616): QSPTRVLGNK[Lys606Glu]GIFTRQRQPK